The following is an entry in ClinVar:

NC_000017.11:g.(?_44027807)_(44352876_?)dup

Genes: SLC25A39 (solute carrier family 25 member 39; minus strand), SLC4A1 (solute carrier family 4 member 1 (Diego blood group); minus strand), TMUB2 (transmembrane and ubiquitin like domain containing 2; plus strand), UBTF (upstream binding transcription factor; minus strand), ATXN7L3 (ataxin 7 like 3; minus strand) and 7 more. Cytogenetic location: 17q21.31.
Variant type: Duplication.
Identifiers: ClinVar variation 832076 (VCV000832076.3).

ClinVar aggregate classification (germline): Uncertain significance (1 of 4 stars; one submission).

Conditions:
GRN-related frontotemporal lobar degeneration with Tdp43 inclusions (FTD2). Also called: FRONTOTEMPORAL DEMENTIA WITH TDP43 INCLUSIONS, GRN-RELATED; DEMENTIA, HEREDITARY DYSPHASIC DISINHIBITION; FRONTOTEMPORAL LOBAR DEGENERATION WITH UBIQUITIN-POSITIVE INCLUSIONS; FTLD-TDP, GRN-RELATED; GRN Frontotemporal Dementia. Identifiers: Orphanet 100070, Orphanet 282, MedGen C1843792, MONDO:0011842, OMIM 607485. Disease mechanism: loss of function.
Neuronal ceroid lipofuscinosis 11. Also called: GRN-Related Neuronal Ceroid-Lipofuscinosis. Identifiers: Orphanet 314629, Orphanet 79262, MedGen C3539123, MONDO:0013866, OMIM 614706.

Submission:

Labcorp Genetics (formerly Invitae), Labcorp
Classification: Uncertain significance for Neuronal ceroid lipofuscinosis 11; GRN-related frontotemporal lobar degeneration with Tdp43 inclusions. Last evaluated: 2019-03-26. Review status: criteria provided, single submitter. Criteria: Invitae Variant Classification Sherloc (09022015). Collection method: clinical testing. Allele origin: germline.
Comment: In summary, the available evidence is currently insufficient to determine the role of this variant in disease. Therefore, it has been classified as a Variant of Uncertain Significance. This variant has not been reported in the literature in individuals with GRN-related conditions. This variant results in a copy number gain of the genomic region encompassing the full coding sequence of the GRN gene. The boundaries of this event are unknown as they extend beyond the assayed region for this gene and therefore may encompass additional genes. As the precise location of this event is unknown, it may be in tandem or it may be located elsewhere in the genome.